The following is an entry in ClinVar:

NM_130384.3(ATRIP):c.194C>G (p.Thr65Ser)

Genes: ATRIP (ATR interacting protein; plus strand), ATRIP-TREX1 (ATRIP-TREX1 readthrough; plus strand), LOC129936703 (ATAC-STARR-seq lymphoblastoid silent region 14331; plus strand). Cytogenetic location: 3p21.31.
Variant type: single nucleotide variant.
Coding change: c.194C>G on transcript NM_130384.3 (MANE Select); coding-DNA position 194, C replaced by G.
Protein change: p.Thr65Ser; replaces threonine 65 with serine.
Molecular consequence: missense variant. On other transcripts: non-coding transcript variant (1), intron variant (1).
Genome position (GRCh38, 1-based): chr3:48,447,039, C>G. VCF-style: chr3-48447039-C-G. GRCh37 (hg19) VCF-style: chr3-48488443-C-G.
Other names: c.194C>G, p.Thr65Ser (NM_032166.4); c.-218+240C>G (NM_001271022.2); short protein forms T65S.
Identifiers: ClinVar variation 4867215 (VCV004867215.1).

ClinVar aggregate classification (germline): Uncertain significance (1 of 4 stars; one submission).

Submission:

Ambry Genetics
Classification: Uncertain significance. Last evaluated: 2026-04-13. Review status: criteria provided, single submitter. Criteria: Ambry Variant Classification Scheme 2023. Collection method: clinical testing. Allele origin: germline.
Comment: The p.T65S variant (also known as c.194C>G), located in coding exon 1 of the ATRIP gene, results from a C to G substitution at nucleotide position 194. The threonine at codon 65 is replaced by serine, an amino acid with similar properties. This amino acid position is conserved. In addition, this alteration is predicted to be tolerated by in silico analysis. Based on the available evidence, the clinical significance of this variant remains unclear.